The following is an entry in ClinVar:

NM_015267.4(CUX2):c.2141T>C (p.Met714Thr)

Gene: CUX2 (cut like homeobox 2; plus strand). Cytogenetic location: 12q24.12.
Variant type: single nucleotide variant.
Coding change: c.2141T>C on transcript NM_015267.4 (MANE Select); coding-DNA position 2141, T replaced by C.
Protein change: p.Met714Thr; replaces methionine 714 with threonine.
Molecular consequence: missense variant.
Genome position (GRCh38, 1-based): chr12:111,320,150, T>C. VCF-style: chr12-111320150-T-C. GRCh37 (hg19) VCF-style: chr12-111757954-T-C.
Other names: c.1955T>C, p.Met652Thr (NM_001370598.1); short protein forms M714T, M652T.
Identifiers: ClinVar variation 3837512 (VCV003837512.2).

ClinVar aggregate classification (germline): Conflicting classifications of pathogenicity. Review status: criteria provided, conflicting classifications (1 of 4 stars). 2 submissions from 2 submitters: Uncertain significance (1); Likely benign (1). Last evaluated 2026-06-09.

Conditions:
CUX2-related disorder. Also called: CUX2-related condition.
Inborn genetic diseases. Identifiers: MedGen C0950123, MeSH D030342.

gnomAD v4.1: 67 of 1,548,646 alleles (0.0043%); highest among the groups gnomAD compares: Non-Finnish European, 0.0057%; no homozygotes.

Submissions (2):

PreventionGenetics, part of Exact Sciences
Classification: Likely benign for CUX2-related condition. Last evaluated: 2026-06-09. Review status: criteria provided, single submitter. Criteria: ACMG Guidelines, 2015. Collection method: clinical testing. Allele origin: germline.
Comment: This variant is classified as likely benign based on ACMG/AMP sequence variant interpretation guidelines (Richards et al. 2015 PMID: 25741868, with internal and published modifications).

Ambry Genetics
Classification: Uncertain significance for Inborn genetic diseases. Last evaluated: 2024-12-22. Review status: criteria provided, single submitter. Criteria: Ambry Variant Classification Scheme 2023. Collection method: clinical testing. Allele origin: germline.